The following is an entry in ClinVar:

ClinVar aggregate classification (germline): Likely benign. Review status: criteria provided, multiple submitters, no conflicts (2 of 4 stars). 2 submissions from 2 submitters: Likely benign (2). Last evaluated 2024-11-21.

Conditions:
Cortical dysplasia-focal epilepsy syndrome (PTHSL1). Also called: Pitt-Hopkins-like syndrome 1. Identifiers: Orphanet 163681, Orphanet 221150, MedGen C2750246, MONDO:0012400, OMIM 610042.

Allele frequency attached by ClinVar (database versions not stated): gnomAD exomes below 0.00001; ExAC 0.00001.
gnomAD v4.1: 2 of 1,614,132 alleles (0.00012%); highest among the groups gnomAD compares: Admixed American, 0.0017%; no homozygotes.

Submissions (2):

Labcorp Genetics (formerly Invitae), Labcorp
Classification: Likely benign for Cortical dysplasia-focal epilepsy syndrome. Last evaluated: 2024-11-21. Review status: criteria provided, single submitter. Criteria: Invitae Variant Classification Sherloc (09022015). Collection method: clinical testing. Allele origin: germline.

GeneDx
Classification: Likely benign. Last evaluated: 2017-02-02. Review status: criteria provided, single submitter. Criteria: GeneDx Variant Classification (06012015). Collection method: clinical testing. Allele origin: germline. Affected: yes.
Comment: This variant is considered likely benign or benign based on one or more of the following criteria: it is a conservative change, it occurs at a poorly conserved position in the protein, it is predicted to be benign by multiple in silico algorithms, and/or has population frequency not consistent with disease.

NM_014141.6(CNTNAP2):c.2043C>T (p.Tyr681=)

Gene: CNTNAP2 (contactin associated protein 2; plus strand). Cytogenetic location: 7q35.
Variant type: single nucleotide variant.
Coding change: c.2043C>T on transcript NM_014141.6 (MANE Select); coding-DNA position 2043, C replaced by T.
Protein change: p.Tyr681=; no amino-acid change (tyrosine 681 retained).
Molecular consequence: synonymous variant.
Genome position (GRCh38, 1-based): chr7:147,639,251, C>T. VCF-style: chr7-147639251-C-T. GRCh37 (hg19) VCF-style: chr7-147336343-C-T.
Identifiers: ClinVar variation 383950 (VCV000383950.9), dbSNP rs779865638, ClinGen allele CA4546295.